The following is an entry in ClinVar:

NM_001042492.3(NF1):c.2888A>C (p.Gln963Pro)

Gene: NF1 (neurofibromin 1; plus strand). Cytogenetic location: 17q11.2.
Variant type: single nucleotide variant.
Coding change: c.2888A>C on transcript NM_001042492.3 (MANE Select); coding-DNA position 2888, A replaced by C.
Protein change: p.Gln963Pro; replaces glutamine 963 with proline.
Molecular consequence: missense variant.
Genome position (GRCh38, 1-based): chr17:31,229,872, A>C. VCF-style: chr17-31229872-A-C. GRCh37 (hg19) VCF-style: chr17-29556890-A-C.
Other names: c.2888A>C, p.Gln963Pro (NM_000267.4); short protein forms Q963P.
Identifiers: ClinVar variation 2755834 (VCV002755834.3), dbSNP rs2151430577, ClinGen allele CA398986083.

ClinVar aggregate classification (germline): Uncertain significance (1 of 4 stars; one submission).

Conditions:
Neurofibromatosis, type 1 (NF1). Also called: VON RECKLINGHAUSEN DISEASE; NEUROFIBROMATOSIS, TYPE I, SOMATIC; Peripheral type neurofibromatosis; Neurofibromatosis, type I. Identifiers: Orphanet 636, MedGen C0027831, MONDO:0018975, OMIM 162200. Disease mechanism: loss of function.

Submission:

Labcorp Genetics (formerly Invitae), Labcorp
Classification: Uncertain significance for Neurofibromatosis, type 1. Last evaluated: 2023-08-28. Review status: criteria provided, single submitter. Criteria: Invitae Variant Classification Sherloc (09022015). Collection method: clinical testing. Allele origin: germline.
Comment: This sequence change replaces glutamine, which is neutral and polar, with proline, which is neutral and non-polar, at codon 963 of the NF1 protein (p.Gln963Pro). This variant is not present in population databases (gnomAD no frequency). This variant has not been reported in the literature in individuals affected with NF1-related conditions. Advanced modeling of protein sequence and biophysical properties (such as structural, functional, and spatial information, amino acid conservation, physicochemical variation, residue mobility, and thermodynamic stability) performed at Invitae indicates that this missense variant is expected to disrupt NF1 protein function. In summary, the available evidence is currently insufficient to determine the role of this variant in disease. Therefore, it has been classified as a Variant of Uncertain Significance.